The following is an entry in ClinVar:

NM_001146262.4(SYT14):c.13+1G>A

Gene: SYT14 (synaptotagmin 14; plus strand). Cytogenetic location: 1q32.2.
Variant type: single nucleotide variant.
Coding change: c.13+1G>A on transcript NM_001146262.4 (MANE Select); the canonical splice donor site of the intron after coding-DNA position 13, G replaced by A.
Molecular consequence: splice donor variant.
Genome position (GRCh38, 1-based): chr1:209,938,278, G>A. VCF-style: chr1-209938278-G-A. GRCh37 (hg19) VCF-style: chr1-210111623-G-A.
Other names: c.-1242+1G>A (NM_001397545.1); c.-307+1G>A (NM_001256006.3); c.27+1G>A (NM_001146261.4, NM_001146264.4); c.-1037+1G>A (NM_001397544.1); c.13+1G>A (NM_153262.5).
Identifiers: ClinVar variation 432092 (VCV000432092.3), dbSNP rs1553255775, ClinGen allele CA344605041.

ClinVar aggregate classification (germline): Likely pathogenic (1 of 4 stars; one submission).

Submission:

GeneDx
Classification: Likely pathogenic. Last evaluated: 2016-02-23. Review status: criteria provided, single submitter. Criteria: GeneDx Variant Classification (06012015). Collection method: clinical testing. Allele origin: germline. Affected: yes.
Comment: The c.27+1G>A variant in the SYT14 gene has not been reported previously as a pathogenic variant nor as a benign variant, to our knowledge. This splice site variant destroys the canonical splice donor site in intron 1. It is predicted to cause abnormal gene splicing, either leading to an abnormal message that is subject to nonsense-mediated mRNA decay, or to an abnormal protein product if the message is used for protein translation. The c.27+1G>A variant was not observed in approximately 6,400 individuals of European and African American ancestry in the NHLBI Exome Sequencing Project, indicating it is not a common benign variant in these populations. The c.27+1G>A variant is a strong candidate for a pathogenic variant, however the possibility it may be a rare benign variant cannot be excluded.